The following is an entry in ClinVar:

ClinVar aggregate classification (germline): Uncertain significance. Review status: criteria provided, multiple submitters, no conflicts (2 of 4 stars). 2 submissions from 2 submitters: Uncertain significance (2). Last evaluated 2019-04-04.

Conditions:
Autosomal dominant limb-girdle muscular dystrophy type 1D (DNAJB6) (LGMDD1). Also called: MUSCULAR DYSTROPHY, LIMB-GIRDLE, TYPE 1D; Autosomal dominant limb-girdle muscular dystrophy type 1D; Muscular dystrophy, limb-girdle, autosomal dominant 1; MUSCULAR DYSTROPHY, AUTOSOMAL DOMINANT, WITH RIMMED VACUOLES. Identifiers: Orphanet 34516, MedGen C4721885, MONDO:0021018, OMIM 603511.

Allele frequency attached by ClinVar (database versions not stated): gnomAD exomes below 0.00001.

Submissions (2):

GeneDx
Classification: Uncertain significance. Last evaluated: 2019-04-04. Review status: criteria provided, single submitter. Criteria: GeneDx Variant Classification Process June 2021. Collection method: clinical testing. Allele origin: germline. Affected: yes.
Comment: Not observed in large population cohorts (Lek et al., 2016); In-frame insertion of 4 amino acids in a non-repeat region; Has not been previously published as pathogenic or benign to our knowledge

Labcorp Genetics (formerly Invitae), Labcorp
Classification: Uncertain significance for Autosomal dominant limb-girdle muscular dystrophy type 1D (DNAJB6). Last evaluated: 2017-11-11. Review status: criteria provided, single submitter. Criteria: Invitae Variant Classification Sherloc (09022015). Collection method: clinical testing. Allele origin: germline.
Comment: This variant, c.961_972dupTCGACCAAAGGC, results in the insertion of 4 amino acids to the DNAJB6 protein (p.Ser321_Gly324dup), but otherwise preserves the integrity of the reading frame. This variant is not present in population databases (ExAC no frequency). This variant has not been reported in the literature in individuals with DNAJB6-related disease. Experimental studies and prediction algorithms are not available for this variant, and the functional significance of the duplicated amino acids is currently unknown. In summary, the available evidence is currently insufficient to determine the role of this variant in disease. Therefore, it has been classified as a Variant of Uncertain Significance.

NM_058246.4(DNAJB6):c.961_972dup (p.Ser321_Gly324dup)

Gene: DNAJB6 (DnaJ heat shock protein family (Hsp40) member B6; plus strand). Cytogenetic location: 7q36.3.
Variant type: Duplication.
Coding change: c.961_972dup on transcript NM_058246.4 (MANE Select); coding-DNA positions 961 to 972, 12 bases duplicated (TCGACCAAAGGC).
Protein change: p.Ser321_Gly324dup.
Molecular consequence: inframe insertion.
Genome position (GRCh38, 1-based): chr7:157,416,078-157,416,089, TCGACCAAAGGC duplicated. VCF-style (leftmost placement, unchanged base first): chr7-157416077-G-GTCGACCAAAGGC. GRCh37 (hg19) VCF-style: chr7-157208771-G-GTCGACCAAAGGC.
Other names: c.616_627dup, p.Ser206_Gly209dup (NM_001363676.1); c.961_972dupTCGACCAAAGGC (NM_058246.3).
Identifiers: ClinVar variation 538668 (VCV000538668.3), dbSNP rs1554471187, ClinGen allele CA658797068.